The following is an entry in ClinVar:

NM_014921.5(ADGRL1):c.1507C>T (p.Arg503Ter)

Genes: ADGRL1 (adhesion G protein-coupled receptor L1; minus strand), ADGRL1-AS1 (ADGRL1 antisense RNA 1; plus strand). Cytogenetic location: 19p13.12.
Variant type: single nucleotide variant.
Coding change: c.1507C>T on transcript NM_014921.5 (MANE Select); coding-DNA position 1507, C replaced by T.
Protein change: p.Arg503Ter; replaces arginine 503 with a stop codon.
Molecular consequence: nonsense.
Genome position (GRCh38, 1-based): chr19:14,161,315, G>A on the plus strand (C>T on the coding strand, the complement: ADGRL1 is on the minus strand). VCF-style: chr19-14161315-G-A. GRCh37 (hg19) VCF-style: chr19-14272127-G-A.
Other names: c.1522C>T, p.Arg508Ter (NM_001008701.3); short protein forms R503*, R508*.
Identifiers: ClinVar variation 4017086 (VCV004017086.2).

ClinVar aggregate classification (germline): Conflicting classifications of pathogenicity. Review status: criteria provided, conflicting classifications (1 of 4 stars). 2 submissions from 2 submitters: Pathogenic (1); Uncertain significance (1). Last evaluated 2025-04-25.

Conditions:
Inborn genetic diseases. Identifiers: MedGen C0950123, MeSH D030342.

Submissions (2):

Ambry Genetics
Classification: Pathogenic for Inborn genetic diseases. Last evaluated: 2025-04-25. Review status: criteria provided, single submitter. Criteria: Ambry Variant Classification Scheme 2023. Collection method: clinical testing. Allele origin: germline.
Comment: The c.1522C>T (p.R508*) alteration, located in exon 7 (coding exon 6) of the ADGRL1 gene, consists of a C to T substitution at nucleotide position 1522. This changes the amino acid from a arginine (R) to a stop codon at amino acid position 508. This alteration is expected to result in loss of function by premature protein truncation or nonsense-mediated mRNA decay. This variant was not reported in population-based cohorts in the Genome Aggregation Database (gnomAD). Based on the available evidence, this alteration is classified as pathogenic.

Blueprint Genetics
Classification: Uncertain significance. Last evaluated: 2021-11-25. Review status: criteria provided, single submitter. Criteria: ACMG Guidelines, 2015. Collection method: clinical testing. Allele origin: germline.